The following is an entry in ClinVar:

ClinVar aggregate classification (germline): Uncertain significance (1 of 4 stars; one submission).

gnomAD v4.1: 1 of 1,609,364 alleles (0.000062%); highest among the groups gnomAD compares: African/African-American, 0.0013%; no homozygotes.

Submission:

Greenwood Genetic Center Diagnostic Laboratories, Greenwood Genetic Center
Classification: Uncertain significance. Last evaluated: 2026-06-26. Review status: criteria provided, single submitter. Criteria: ACMG Guidelines, 2015. Collection method: clinical testing. Allele origin: germline.
Comment: PM2, BP4

NM_001374828.1(ARID1B):c.5147C>G (p.Thr1716Ser)

Gene: ARID1B (AT-rich interaction domain 1B; plus strand). Cytogenetic location: 6q25.3.
Variant type: single nucleotide variant.
Coding change: c.5147C>G on transcript NM_001374828.1 (MANE Select); coding-DNA position 5147, C replaced by G.
Protein change: p.Thr1716Ser; replaces threonine 1716 with serine.
Molecular consequence: missense variant.
Genome position (GRCh38, 1-based): chr6:157,201,372, C>G. VCF-style: chr6-157201372-C-G. GRCh37 (hg19) VCF-style: chr6-157522506-C-G.
Other names: c.2648C>G, p.Thr883Ser (NM_001363725.2); c.5027C>G, p.Thr1676Ser (NM_001371656.1, NM_001374820.1); c.5276C>G, p.Thr1759Ser (NM_001438482.1); c.5189C>G, p.Thr1730Ser (NM_001438483.1); c.5057C>G, p.Thr1686Ser (NM_001438485.1); c.5030C>G, p.Thr1677Ser (NM_001438486.1); c.4967C>G, p.Thr1656Ser (NM_001438487.1); c.2489C>G, p.Thr830Ser (NM_001438488.1); and 1 more; short protein forms T1656S, T1663S, T1676S, T1677S, T1686S, T1716S, T1730S, T1759S.
Identifiers: ClinVar variation 4891191 (VCV004891191.1).